The following is an entry in ClinVar:

NM_001079802.2(FKTN):c.1022C>T (p.Pro341Leu)

Gene: FKTN (fukutin; plus strand). Cytogenetic location: 9q31.2.
Variant type: single nucleotide variant.
Coding change: c.1022C>T on transcript NM_001079802.2 (MANE Select); coding-DNA position 1022, C replaced by T.
Protein change: p.Pro341Leu; replaces proline 341 with leucine.
Molecular consequence: missense variant. On other transcripts: non-coding transcript variant (1).
Genome position (GRCh38, 1-based): chr9:105,618,070, C>T. VCF-style: chr9-105618070-C-T. GRCh37 (hg19) VCF-style: chr9-108380351-C-T.
Other names: c.1022C>T, p.Pro341Leu (NM_001198963.2, NM_001351496.2, NM_001351498.2 and 1 more transcripts); c.953C>T, p.Pro318Leu (NM_001351497.2); c.626C>T, p.Pro209Leu (NM_001351499.2, NM_001351500.2, NM_001351501.2 and 1 more transcripts); short protein forms P209L, P318L, P341L.
Identifiers: ClinVar variation 1468761 (VCV001468761.4), dbSNP rs764441249, ClinGen allele CA5170546.

ClinVar aggregate classification (germline): Uncertain significance (1 of 4 stars; one submission).

Conditions:
Walker-Warburg congenital muscular dystrophy. Also called: Muscular dystrophy-dystroglycanopathy, type A; Walker-Warburg syndrome. Identifiers: Orphanet 899, MedGen C0265221, MONDO:0000171.

Allele frequency attached by ClinVar (database versions not stated): ExAC 0.00001; gnomAD 0.00001 and 0.00002; gnomAD exomes 0.00001 and 0.00002; TOPMed 0.00002.
gnomAD v4.1: 26 of 1,611,970 alleles (0.0016%); highest among the groups gnomAD compares: East Asian, 0.016%; no homozygotes.

Submission:

Labcorp Genetics (formerly Invitae), Labcorp
Classification: Uncertain significance for Walker-Warburg congenital muscular dystrophy. Last evaluated: 2025-01-19. Review status: criteria provided, single submitter. Criteria: Invitae Variant Classification Sherloc (09022015). Collection method: clinical testing. Allele origin: germline.
Comment: This sequence change replaces proline, which is neutral and non-polar, with leucine, which is neutral and non-polar, at codon 341 of the FKTN protein (p.Pro341Leu). This variant is present in population databases (rs764441249, gnomAD 0.02%). This variant has not been reported in the literature in individuals affected with FKTN-related conditions. ClinVar contains an entry for this variant (Variation ID: 1468761). Invitae Evidence Modeling of protein sequence and biophysical properties (such as structural, functional, and spatial information, amino acid conservation, physicochemical variation, residue mobility, and thermodynamic stability) has been performed for this missense variant. However, the output from this modeling did not meet the statistical confidence thresholds required to predict the impact of this variant on FKTN protein function. In summary, the available evidence is currently insufficient to determine the role of this variant in disease. Therefore, it has been classified as a Variant of Uncertain Significance.